The following is an entry in ClinVar:

ClinVar aggregate classification (germline): Uncertain significance (1 of 4 stars; one submission).

Conditions:
Leigh syndrome (NULS). Also called: Leigh's necrotizing encephalopathy; Leigh's disease; Leigh Syndrome (mtDNA deletion); Leigh Disease; Subacute necrotizing encephalopathy; Necrotizing encephalopathy infantile subacute of Leigh. Identifiers: Orphanet 506, MedGen C2931891, MONDO:0009723, OMIM 256000.

Submission:

Wong Mito Lab, Molecular and Human Genetics, Baylor College of Medicine
Classification: Uncertain significance for Leigh syndrome. Last evaluated: 2019-10-17. Review status: criteria provided, single submitter. Criteria: Modified ACMG Guidelines (Unpublished). Collection method: clinical testing. Allele origin: germline.
Comment: The NC_012920.1:m.10677G>A (YP_003024034.1:p.Glu70Lys) variant in MTND4L gene is interpretated to be a Uncertain Significance variant based on the modified ACMG guidelines (unpublished). This variant meets the following evidence codes: PP6, PP7, BP4

NC_012920.1(MT-ND4L):m.10677G>A

Gene: MT-ND4L (mitochondrially encoded NADH dehydrogenase 4L; plus strand).
Variant type: single nucleotide variant.
Genome position: chrM-10677-G-A.
Identifiers: ClinVar variation 693309 (VCV000693309.1), dbSNP rs1603222944, ClinGen allele CA414806350.